The following is an entry in ClinVar:

NM_001199138.2(NLRC4):c.416T>C (p.Leu139Pro)

Gene: NLRC4 (NLR family CARD domain containing 4; minus strand). Cytogenetic location: 2p22.3.
Variant type: single nucleotide variant.
Coding change: c.416T>C on transcript NM_001199138.2 (MANE Select); coding-DNA position 416, T replaced by C.
Protein change: p.Leu139Pro; replaces leucine 139 with proline.
Molecular consequence: missense variant. On other transcripts: intron variant (1).
Genome position (GRCh38, 1-based): chr2:32,251,448, A>G on the plus strand (T>C on the coding strand, the complement: NLRC4 is on the minus strand). VCF-style: chr2-32251448-A-G. GRCh37 (hg19) VCF-style: chr2-32476517-A-G.
Other names: c.416T>C, p.Leu139Pro (NM_001199139.2, NM_021209.5); c.262+971T>C (NM_001302504.1); short protein forms L139P.
Identifiers: ClinVar variation 2931294 (VCV002931294.3), dbSNP rs2466763936, ClinGen allele CA346516228.

ClinVar aggregate classification (germline): Uncertain significance (1 of 4 stars; one submission).

Conditions:
Periodic fever-infantile enterocolitis-autoinflammatory syndrome. Also called: Autoinflammation with infantile enterocolitis. Identifiers: Orphanet 436166, MedGen C4015067, MONDO:0014472, OMIM 616050.
Familial cold autoinflammatory syndrome 4 (FCAS4). Identifiers: Orphanet 47045, Orphanet 576349, MedGen C4015276, MONDO:0014498, OMIM 616115.

Allele frequency attached by ClinVar (database versions not stated): gnomAD exomes below 0.00001.
gnomAD v4.1: 3 of 1,614,174 alleles (0.00019%); highest among the groups gnomAD compares: Non-Finnish European, 0.00025%; no homozygotes.

Submission:

Labcorp Genetics (formerly Invitae), Labcorp
Classification: Uncertain significance for Periodic fever-infantile enterocolitis-autoinflammatory syndrome; Familial cold autoinflammatory syndrome 4. Last evaluated: 2024-01-29. Review status: criteria provided, single submitter. Criteria: Invitae Variant Classification Sherloc (09022015). Collection method: clinical testing. Allele origin: germline.
Comment: This sequence change replaces leucine, which is neutral and non-polar, with proline, which is neutral and non-polar, at codon 139 of the NLRC4 protein (p.Leu139Pro). This variant is not present in population databases (gnomAD no frequency). This variant has not been reported in the literature in individuals affected with NLRC4-related conditions. Advanced modeling of protein sequence and biophysical properties (such as structural, functional, and spatial information, amino acid conservation, physicochemical variation, residue mobility, and thermodynamic stability) performed at Invitae indicates that this missense variant is expected to disrupt NLRC4 protein function with a positive predictive value of 80%. In summary, the available evidence is currently insufficient to determine the role of this variant in disease. Therefore, it has been classified as a Variant of Uncertain Significance.